The following is an entry in ClinVar:

NM_014629.4(ARHGEF10):c.2095G>A (p.Ala699Thr)

Gene: ARHGEF10 (Rho guanine nucleotide exchange factor 10; plus strand). Cytogenetic location: 8p23.3.
Variant type: single nucleotide variant.
Coding change: c.2095G>A on transcript NM_014629.4 (MANE Select); coding-DNA position 2095, G replaced by A.
Protein change: p.Ala699Thr; replaces alanine 699 with threonine.
Molecular consequence: missense variant.
Genome position (GRCh38, 1-based): chr8:1,909,422, G>A. VCF-style: chr8-1909422-G-A. GRCh37 (hg19) VCF-style: chr8-1857588-G-A.
Other names: c.1981G>A, p.Ala661Thr (NM_001308152.2); c.2095G>A, p.Ala699Thr (NM_001308153.3); short protein forms A661T, A699T, A723T.
Identifiers: ClinVar variation 2081227 (VCV002081227.4), dbSNP rs370811198, ClinGen allele CA4600709.
Genomic context (GRCh38, chr8:1,909,422, plus strand): 5'-CATGTGGACGCCATCGAGTATGGCAGCAGCGCAGGCACGGGCGAGCACAGCAGGCACCTT[G>A]CCGTTCACCCGCCGGAGAGCCTGGCCGTGGTTGCTAACGCGAAACCAAGTAAGTGATGCT-3'
Protein context (NP_055444.2, residues 689-709): AGTGEHSRHL[Ala699Thr]VHPPESLAVV

ClinVar aggregate classification (germline): Uncertain significance (1 of 4 stars; one submission).

Allele frequency attached by ClinVar (database versions not stated): gnomAD exomes below 0.00001; ExAC 0.00001; ESP Exome Variant Server 0.00008.
gnomAD v4.1: 6 of 1,614,124 alleles (0.00037%); highest among the groups gnomAD compares: Non-Finnish European, 0.00051%; no homozygotes.

Submission:

Labcorp Genetics (formerly Invitae), Labcorp
Classification: Uncertain significance. Last evaluated: 2022-07-30. Review status: criteria provided, single submitter. Criteria: Invitae Variant Classification Sherloc (09022015). Collection method: clinical testing. Allele origin: germline.
Comment: This sequence change replaces alanine, which is neutral and non-polar, with threonine, which is neutral and polar, at codon 699 of the ARHGEF10 protein (p.Ala699Thr). This variant is present in population databases (rs370811198, gnomAD 0.002%). This variant has not been reported in the literature in individuals affected with ARHGEF10-related conditions. Algorithms developed to predict the effect of missense changes on protein structure and function output the following: SIFT: "Tolerated"; PolyPhen-2: "Benign"; Align-GVGD: "Class C0". The threonine amino acid residue is found in multiple mammalian species, which suggests that this missense change does not adversely affect protein function. In summary, the available evidence is currently insufficient to determine the role of this variant in disease. Therefore, it has been classified as a Variant of Uncertain Significance.